The following is an entry in ClinVar:

ClinVar aggregate classification (germline): Likely pathogenic (1 of 4 stars; one submission).

Conditions:
Spongy degeneration of central nervous system. Also called: Canavan disease; Von Bogaert-Bertrand disease; AMINOACYLASE 2 DEFICIENCY; ACY2 DEFICIENCY; ASP DEFICIENCY; ASPA DEFICIENCY. Identifiers: Orphanet 141, MedGen C0206307, MONDO:0010079, OMIM 271900.

Submission:

Labcorp Genetics (formerly Invitae), Labcorp
Classification: Likely pathogenic for Spongy degeneration of central nervous system. Last evaluated: 2021-08-04. Review status: criteria provided, single submitter. Criteria: Invitae Variant Classification Sherloc (09022015). Collection method: clinical testing. Allele origin: germline.
Comment: This variant is a gross deletion of the genomic region encompassing exon(s) 4 of the ASPA gene. This variant would be expected to be in-frame, preserving the integrity of the reading frame. This variant has not been reported in the literature in individuals affected with ASPA-related conditions. This variant disrupts the p.Pro181 amino acid residue in ASPA. Other variant(s) that disrupt this residue have been determined to be pathogenic (PMID: 10909858, 12638939, 16854607, 22750302, 22850825). This suggests that this residue is clinically significant, and that variants that disrupt this residue are likely to be disease-causing. In summary, the currently available evidence indicates that the variant is pathogenic, but additional data are needed to prove that conclusively. Therefore, this variant has been classified as Likely Pathogenic.

Literature cited by the submitters: PubMed 10909858; PubMed 12638939; PubMed 16854607; PubMed 22750302; PubMed 22850825.

NC_000017.10:g.(?_3392519)_(3392646_?)del

Gene: ASPA (aspartoacylase; plus strand). Cytogenetic location: 17p13.2.
Variant type: Deletion.
Identifiers: ClinVar variation 1068281 (VCV001068281.2).